The following is an entry in ClinVar:

NM_014946.4(SPAST):c.209_210dup (p.Leu71fs)

Gene: SPAST (spastin; plus strand). Cytogenetic location: 2p22.3.
Variant type: Duplication.
Coding change: c.209_210dup on transcript NM_014946.4 (MANE Select); coding-DNA positions 209 to 210, 2 bases duplicated (AC; older notation c.209_210dupAC).
Protein change: p.Leu71fs; shifts the reading frame from leucine 71.
Molecular consequence: frameshift variant.
Genome position (GRCh38, 1-based): chr2:32,064,040-32,064,041, AC duplicated; duplicating any 2 consecutive bases within chr2:32,064,039-32,064,041 gives the same sequence; the c. name uses the placement nearest the transcript's 3' end. VCF-style (leftmost placement, unchanged base first): chr2-32064038-C-CCA. GRCh37 (hg19) VCF-style: chr2-32289107-C-CCA.
Other names: c.209_210dupAC (NM_014946.4); c.209_210dup, p.Leu71fs (NM_001363823.2, NM_001363875.2, NM_001377959.1 and 1 more transcripts); short protein forms L71fs.
Identifiers: ClinVar variation 3773762 (VCV003773762.1).

ClinVar aggregate classification (germline): Pathogenic (1 of 4 stars; one submission).

Conditions:
Hereditary spastic paraplegia 4. Also called: Spastic Paraplegia 4; Familial spastic paraplegia autosomal dominant 2; Spastic paraplegia 4, autosomal dominant. Identifiers: Orphanet 100985, MedGen C1866855, MONDO:0008438, OMIM 182601.

Submission:

Molecular Genetics, Royal Melbourne Hospital
Classification: Pathogenic for Hereditary spastic paraplegia 4. Last evaluated: 2024-07-04. Review status: criteria provided, single submitter. Criteria: ACMG Guidelines, 2015. Collection method: clinical testing. Allele origin: germline. Inheritance: Autosomal dominant inheritance. Affected: yes.
Comment: This sequence change in SPAST is a frameshift variant predicted to cause a premature stop codon, p.(Leu71Thrfs*91), in biologically relevant exon 2/17 leading to nonsense-mediated decay in a gene in which loss of function is an established disease mechanism (PMID: 20301339). Loss of function variants are well reported as disease causing in exon 2 and downstream of this variant. This variant is absent from the population database gnomAD v4.1. To our knowledge, this variant is novel and has not been previously reported in the relevant scientific literature or databases. Based on the classification scheme RMH Modified ACMG/AMP Guidelines v1.6.1, this variant is classified as PATHOGENIC. Following criteria are met: PVS1, PM2_Supporting, PM5_Supporting.

Literature cited by the submitters: PubMed 20301339.